The following is an entry in ClinVar:

ClinVar aggregate classification (germline): Likely benign. Review status: criteria provided, single submitter (1 of 4 stars). 2 submissions from 2 submitters: Likely benign (1). 1 of the submissions does not count toward it. Last evaluated 2022-03-19.

Conditions:
PLXNA2-related disorder. Also called: PLXNA2-related condition.

Allele frequency attached by ClinVar (database versions not stated): ExAC 0.00001; gnomAD 0.00003; TOPMed 0.00005; gnomAD exomes 0.00010.
gnomAD v4.1: 148 of 1,614,132 alleles (0.0092%); highest among the groups gnomAD compares: Non-Finnish European, 0.012%; no homozygotes.

Submissions (2):

Labcorp Genetics (formerly Invitae), Labcorp
Classification: Likely benign. Last evaluated: 2022-03-19. Review status: criteria provided, single submitter. Criteria: Invitae Variant Classification Sherloc (09022015). Collection method: clinical testing. Allele origin: germline.

PreventionGenetics, part of Exact Sciences
Classification: Likely benign for PLXNA2-related condition. Last evaluated: 2022-03-03. Review status: no assertion criteria provided. Collection method: clinical testing. Allele origin: germline. Not counted in ClinVar's aggregate classification.
Comment: This variant is classified as likely benign based on ACMG/AMP sequence variant interpretation guidelines (Richards et al. 2015 PMID: 25741868, with internal and published modifications).

NM_025179.4(PLXNA2):c.3432C>T (p.Thr1144=)

Gene: PLXNA2 (plexin A2; minus strand). Cytogenetic location: 1q32.2.
Variant type: single nucleotide variant.
Coding change: c.3432C>T on transcript NM_025179.4 (MANE Select); coding-DNA position 3432, C replaced by T.
Protein change: p.Thr1144=; no amino-acid change (threonine 1144 retained).
Molecular consequence: synonymous variant.
Genome position (GRCh38, 1-based): chr1:208,045,941, G>A on the plus strand (C>T on the coding strand, the complement: PLXNA2 is on the minus strand). VCF-style: chr1-208045941-G-A. GRCh37 (hg19) VCF-style: chr1-208219286-G-A.
Other names: c.3432C>T (NM_025179.3).
Identifiers: ClinVar variation 2185405 (VCV002185405.5), dbSNP rs781228762, ClinGen allele CA1373197.